The following is an entry in ClinVar:

ClinVar aggregate classification (germline): Uncertain significance (1 of 4 stars; one submission).

Conditions:
Heterotaxy, visceral, 5, autosomal (HTX5). Also called: Heterotaxy, visceral, 5. Identifiers: Orphanet 450, MedGen C3495537, MONDO:0700112, OMIM 270100.

Allele frequency attached by ClinVar (database versions not stated): gnomAD exomes 0.00001.
gnomAD v4.1: 3 of 1,614,176 alleles (0.00019%); highest among the groups gnomAD compares: Non-Finnish European, 0.00025%; no homozygotes.

Submission:

Labcorp Genetics (formerly Invitae), Labcorp
Classification: Uncertain significance for Heterotaxy, visceral, 5, autosomal. Last evaluated: 2019-12-14. Review status: criteria provided, single submitter. Criteria: Invitae Variant Classification Sherloc (09022015). Collection method: clinical testing. Allele origin: germline.
Comment: In summary, the available evidence is currently insufficient to determine the role of this variant in disease. Therefore, it has been classified as a Variant of Uncertain Significance. Algorithms developed to predict the effect of missense changes on protein structure and function (SIFT, PolyPhen-2, Align-GVGD) all suggest that this variant is likely to be tolerated, but these predictions have not been confirmed by published functional studies and their clinical significance is uncertain. This variant has not been reported in the literature in individuals with NODAL-related conditions. This variant is not present in population databases (ExAC no frequency). This sequence change replaces glutamine with arginine at codon 85 of the NODAL protein (p.Gln85Arg). The glutamine residue is weakly conserved and there is a small physicochemical difference between glutamine and arginine.

NM_018055.5(NODAL):c.254A>G (p.Gln85Arg)

Gene: NODAL (nodal growth differentiation factor; minus strand). Cytogenetic location: 10q22.1.
Variant type: single nucleotide variant.
Coding change: c.254A>G on transcript NM_018055.5 (MANE Select); coding-DNA position 254, A replaced by G.
Protein change: p.Gln85Arg; replaces glutamine 85 with arginine.
Molecular consequence: missense variant. On other transcripts: 5 prime UTR variant (1).
Genome position (GRCh38, 1-based): chr10:70,435,923, T>C on the plus strand (A>G on the coding strand, the complement: NODAL is on the minus strand). VCF-style: chr10-70435923-T-C. GRCh37 (hg19) VCF-style: chr10-72195679-T-C.
Other names: c.-146A>G (NM_001329906.2); short protein forms Q85R.
Identifiers: ClinVar variation 835273 (VCV000835273.10), dbSNP rs1845347178, ClinGen allele CA376946710.
Genomic context (GRCh38, chr10:70,435,923, plus strand): 5'-GTGGGGAGGTCCACAGGGCTGGACAGCTGCAGCCGGAGCTCAGCCCATGCCAGATCCTCT[T>C]GTTGGCTCAGGAAGGAGAAGTCAAAAGCAAACGTCCAGTTCTGCCCATCCACTGCCACAT-3'
Protein context (NP_060525.3, residues 75-95): FAFDFSFLSQ[Gln85Arg]EDLAWAELRL